The following is an entry in ClinVar:

NM_174878.3(CLRN1):c.670A>G (p.Thr224Ala)

Gene: CLRN1 (clarin 1; minus strand). Cytogenetic location: 3q25.1.
Variant type: single nucleotide variant.
Coding change: c.670A>G on transcript NM_174878.3 (MANE Select); coding-DNA position 670, A replaced by G.
Protein change: p.Thr224Ala; replaces threonine 224 with alanine.
Molecular consequence: missense variant. On other transcripts: 3 prime UTR variant (1), non-coding transcript variant (1), intron variant (1).
Genome position (GRCh38, 1-based): chr3:150,927,965, T>C on the plus strand (A>G on the coding strand, the complement: CLRN1 is on the minus strand). VCF-style: chr3-150927965-T-C. GRCh37 (hg19) VCF-style: chr3-150645752-T-C.
Other names: c.670A>G (NM_174878.2); c.709A>G, p.Thr237Ala (NM_001195794.1); c.*284A>G (NM_001256819.2); c.342+100A>G (NM_052995.2); short protein forms T224A, T237A.
Identifiers: ClinVar variation 1036925 (VCV001036925.8), dbSNP rs764632225, ClinGen allele CA2665994.

ClinVar aggregate classification (germline): Uncertain significance. Review status: criteria provided, multiple submitters, no conflicts (2 of 4 stars). 5 submissions from 5 submitters: Uncertain significance (4). 1 of the submissions does not count toward it. Last evaluated 2026-02-09.

Conditions:
Inborn genetic diseases. Identifiers: MedGen C0950123, MeSH D030342.
Retinal dystrophy. Also called: Inherited retinal dystrophy. Identifiers: Orphanet 71862, MedGen C0854723, MeSH D058499, MONDO:0019118, HP:0000556.
Usher syndrome type 3. Also called: Usher Syndrome, Type III. Identifiers: Orphanet 231183, MedGen C1568248, MONDO:0016485.

Allele frequency attached by ClinVar (database versions not stated): TOPMed 0.00001; gnomAD exomes 0.00002 and 0.00007; gnomAD 0.00006 and 0.00007; ExAC 0.00007.
gnomAD v4.1: 36 of 1,614,096 alleles (0.0022%); highest among the groups gnomAD compares: Admixed American, 0.038%; 1 homozygote.

Submissions (5):

GeneDx
Classification: Uncertain significance. Last evaluated: 2026-02-09. Review status: criteria provided, single submitter. Criteria: GeneDx Variant Classification Process June 2021. Collection method: clinical testing. Allele origin: germline.
Comment: In silico analysis suggests that this missense variant does not alter protein structure/function; Has not been previously published as pathogenic or benign to our knowledge

Ambry Genetics
Classification: Uncertain significance for Inborn genetic diseases. Last evaluated: 2025-01-24. Review status: criteria provided, single submitter. Criteria: Ambry Variant Classification Scheme 2023. Collection method: clinical testing. Allele origin: germline.

Dept Of Ophthalmology, Nagoya University
Classification: Uncertain significance for Retinal dystrophy. Last evaluated: 2023-10-01. Review status: criteria provided, single submitter. Criteria: Submitter's publication. Collection method: research. Allele origin: germline. Affected: yes.

Labcorp Genetics (formerly Invitae), Labcorp
Classification: Uncertain significance. Last evaluated: 2022-10-13. Review status: criteria provided, single submitter. Criteria: Invitae Variant Classification Sherloc (09022015). Collection method: clinical testing. Allele origin: germline.
Comment: This sequence change replaces threonine, which is neutral and polar, with alanine, which is neutral and non-polar, at codon 224 of the CLRN1 protein (p.Thr224Ala). This variant is present in population databases (rs764632225, gnomAD 0.03%). This variant has not been reported in the literature in individuals affected with CLRN1-related conditions. ClinVar contains an entry for this variant (Variation ID: 1036925). Algorithms developed to predict the effect of missense changes on protein structure and function output the following: SIFT: "Tolerated"; PolyPhen-2: "Benign"; Align-GVGD: "Class C0". The alanine amino acid residue is found in multiple mammalian species, which suggests that this missense change does not adversely affect protein function. In summary, the available evidence is currently insufficient to determine the role of this variant in disease. Therefore, it has been classified as a Variant of Uncertain Significance.

Natera, Inc.
Classification: Uncertain significance for Usher syndrome type 3. Last evaluated: 2020-08-18. Review status: no assertion criteria provided. Collection method: clinical testing. Allele origin: germline. Not counted in ClinVar's aggregate classification.